The following is an entry in ClinVar:

NM_002495.4(NDUFS4):c.316C>T (p.Arg106Ter)

Gene: NDUFS4 (NADH:ubiquinone oxidoreductase subunit S4; plus strand). Cytogenetic location: 5q11.2.
Variant type: single nucleotide variant.
Coding change: c.316C>T on transcript NM_002495.4 (MANE Select); coding-DNA position 316, C replaced by T.
Protein change: p.Arg106Ter; replaces arginine 106 with a stop codon.
Molecular consequence: nonsense. On other transcripts: non-coding transcript variant (3).
Genome position (GRCh38, 1-based): chr5:53,646,371, C>T. VCF-style: chr5-53646371-C-T. GRCh37 (hg19) VCF-style: chr5-52942201-C-T.
Other names: c.316C>T, p.Arg106Ter (NM_001318051.2); short protein forms R106*.
Identifiers: ClinVar variation 6889 (VCV000006889.15), dbSNP rs104893898, ClinGen allele CA118548.

ClinVar aggregate classification (germline): Pathogenic/Likely pathogenic. Review status: criteria provided, multiple submitters, no conflicts (2 of 4 stars). 10 submissions from 10 submitters: Pathogenic (8); Likely pathogenic (1). 1 of the submissions does not count toward it. Last evaluated 2025-10-10.

Conditions:
NDUFS4-related disorders.
Mitochondrial complex I deficiency. Also called: NADH:Q(1) OXIDOREDUCTASE DEFICIENCY. Identifiers: Orphanet 2609, MedGen C1838979, MeSH C537475, MONDO:0100133.
Mitochondrial complex I deficiency, nuclear type 1. Also called: NADH-COENZYME Q REDUCTASE DEFICIENCY; MITOCHONDRIAL NADH DEHYDROGENASE COMPONENT OF COMPLEX I, DEFICIENCY OF. Identifiers: MedGen C6022305, MONDO:0100224, OMIM 252010.
Leigh syndrome (NULS). Also called: LEIGH SYNDROME, NUCLEAR; Leigh's syndrome; Leigh Syndrome (mtDNA deletion); Leigh Disease; Subacute necrotizing encephalopathy; Necrotizing encephalopathy infantile subacute of Leigh. Identifiers: Orphanet 506, MedGen C2931891, MONDO:0009723, OMIM 256000.

Allele frequency attached by ClinVar (database versions not stated): gnomAD exomes below 0.00001.

Submissions (10):

GeneDx
Classification: Pathogenic. Last evaluated: 2025-10-10. Review status: criteria provided, single submitter. Criteria: GeneDx Variant Classification Process June 2021. Collection method: clinical testing. Allele origin: germline.
Comment: Functional studies conducted in patient cells demonstrate p.(R106*) exhibits morphogenesis defects as neurite outgrowth was decreased in immature neurons expressing the variant compared to wild type neural progenitor cells (PMID: 33771987); Not observed at significant frequency in large population cohorts (gnomAD); Nonsense variant predicted to result in protein truncation or nonsense mediated decay in a gene for which loss of function is a known mechanism of disease; This variant is associated with the following publications: (PMID: 25525159, 36964972, 32860008, 10944442, 22033105, 33771987)

Myriad Genetics, Inc.
Classification: Pathogenic for Mitochondrial complex I deficiency, nuclear type 1. Last evaluated: 2024-05-14. Review status: criteria provided, single submitter. Criteria: Myriad Autosomal Dominant, Autosomal Recessive and X-Linked Classification Criteria (2023). Collection method: clinical testing. Allele origin: unknown.
Comment: NM_002495.2(NDUFS4):c.316C>T(R106*) is expected to be pathogenic in the context of mitochondrial complex I deficiency, NDUFS4-related. This variant is predicted to lead to an abnormal or absent protein product due to the creation of a premature termination codon in NDUFS4, a gene where loss-of-function variants are known to be pathogenic. Please note: this variant was assessed in the context of healthy population screening.

Baylor Genetics
Classification: Pathogenic for Mitochondrial complex I deficiency, nuclear type 1. Last evaluated: 2023-12-20. Review status: criteria provided, single submitter. Criteria: ACMG Guidelines, 2015. Collection method: clinical testing. Allele origin: unknown.

Labcorp Genetics (formerly Invitae), Labcorp
Classification: Pathogenic. Last evaluated: 2023-10-19. Review status: criteria provided, single submitter. Criteria: Invitae Variant Classification Sherloc (09022015). Collection method: clinical testing. Allele origin: germline.
Comment: This sequence change creates a premature translational stop signal (p.Arg106*) in the NDUFS4 gene. It is expected to result in an absent or disrupted protein product. Loss-of-function variants in NDUFS4 are known to be pathogenic (PMID: 10944442, 16213125). The frequency data for this variant in the population databases is considered unreliable, as metrics indicate poor data quality at this position in the gnomAD database. This premature translational stop signal has been observed in individual(s) with mitochondrial complex I deficiency (PMID: 10944442). ClinVar contains an entry for this variant (Variation ID: 6889). For these reasons, this variant has been classified as Pathogenic.

Women's Health and Genetics/Laboratory Corporation of America, LabCorp
Classification: Pathogenic for Leigh syndrome. Last evaluated: 2022-10-31. Review status: criteria provided, single submitter. Criteria: LabCorp Variant Classification Summary - May 2015. Collection method: clinical testing. Allele origin: germline.
Comment: Variant summary: NDUFS4 c.316C>T (p.Arg106X) results in a premature termination codon, predicted to cause a truncation of the encoded protein or absence of the protein due to nonsense mediated decay, which are commonly known mechanisms for disease. Truncations downstream of this position have been classified as pathogenic by our laboratory. The variant allele was found at a frequency of 4e-06 in 251396 control chromosomes (gnomAD). c.316C>T has been reported in the literature in multiple individuals affected with NADH-ubiquinone oxidoreductase (complex I) deficiency or combined complex I and III deficiency (Budde_2000, Voets_2012, Haack_2012). These data indicate that the variant is very likely to be associated with disease. In addition, this variant results in impaired cytosolic Ca2+ handling in complex I-deficient fibroblasts (Visch_2004, Voets_2012). One ClinVar submitter (evaluation after 2014) cites the variant as pathogenic. Based on the evidence outlined above, the variant was classified as pathogenic.

Blueprint Genetics
Classification: Likely pathogenic for NDUFS4-related disorders. Last evaluated: 2020-02-12. Review status: criteria provided, single submitter. Criteria: ACMG Guidelines, 2015. Collection method: clinical testing. Allele origin: germline. Affected: yes. Observed: 1 variant allele.

Institute of Human Genetics Munich, TUM University Hospital
Classification: Pathogenic for Mitochondrial complex I deficiency, nuclear type 1. Last evaluated: 2017-11-15. Review status: criteria provided, single submitter. Criteria: Classification criteria August 2017. Collection method: clinical testing. Allele origin: inherited. Inheritance: Autosomal recessive inheritance. Affected: yes. Observed: 1 homozygote.

CENTOGENE GmbH and LLC - Guiding Precision Medicine
Classification: Pathogenic for Mitochondrial complex I deficiency, nuclear type 1. Review status: criteria provided, single submitter. Criteria: ACMG Guidelines, 2015. Collection method: clinical testing. Allele origin: germline. Affected: yes.

Rady Children's Institute for Genomic Medicine, Rady Children's Hospital San Diego
Classification: Pathogenic for MITOCHONDRIAL COMPLEX I DEFICIENCY, NUCLEAR TYPE 1. Review status: criteria provided, single submitter. Criteria: ACMG Guidelines, 2015. Collection method: clinical testing. Allele origin: germline. Affected: yes.
Comment: This nonsense variant found in exon 3 of 5 is predicted to result in loss of normal protein function through either protein truncation or nonsense-mediated mRNA decay (NMD). This variant has been previously reported as a homozygous change in patients with mitochondrial complex I deficiency (PMID: 10944442). Functional studies have shown the presence of this variant results in a reduction of complex I enzymatic activity in skeletal muscle (PMID: 10944442). The c.316C>T (p.Arg106Ter) variant is present in the heterozygous state in the gnomAD population database at a frequency of 0.0004 % (1/251396) and is absent in the homozygous state, thus is presumed to be rare. Based on the available evidence, the c.316C>T (p.Arg106Ter) variant is classified as Pathogenic.

OMIM
Classification: Pathogenic for MITOCHONDRIAL COMPLEX I DEFICIENCY, NUCLEAR TYPE 1. Last evaluated: 2000-08-18. Review status: no assertion criteria provided. Collection method: literature only. Allele origin: germline. Not counted in ClinVar's aggregate classification.

Literature cited by the submitters: PubMed 10944442 (cited by 3 submitters); PubMed 16213125 (cited by Labcorp Genetics (formerly Invitae), Labcorp); PubMed 22200994 (cited by Women's Health and Genetics/Laboratory Corporation of America, LabCorp); PubMed 32860008 (cited by Women's Health and Genetics/Laboratory Corporation of America, LabCorp); PubMed 15269216 (cited by Women's Health and Genetics/Laboratory Corporation of America, LabCorp); PubMed 22033105 (cited by Women's Health and Genetics/Laboratory Corporation of America, LabCorp).